The following is an entry in ClinVar:

ClinVar aggregate classification (germline): Uncertain significance. Review status: criteria provided, multiple submitters, no conflicts (2 of 4 stars). 2 submissions from 2 submitters: Uncertain significance (2). Last evaluated 2024-03-07.

Conditions:
Nijmegen breakage syndrome-like disorder (NBSLD). Also called: MICROCEPHALY AND SPONTANEOUS CHROMOSOME INSTABILITY WITHOUT IMMUNODEFICIENCY; NBS-LIKE DISORDER; RAD50 DEFICIENCY. Identifiers: Orphanet 240760, MedGen C2751318, MONDO:0013118, OMIM 613078.
Hereditary cancer-predisposing syndrome. Also called: Neoplastic Syndromes, Hereditary; Tumor predisposition; Hereditary neoplastic syndrome; Hereditary Cancer Syndrome. Identifiers: Orphanet 140162, MedGen C0027672, MeSH D009386, MONDO:0015356.

Submissions (2):

Ambry Genetics
Classification: Uncertain significance for Hereditary cancer-predisposing syndrome. Last evaluated: 2024-03-07. Review status: criteria provided, single submitter. Criteria: Ambry Variant Classification Scheme 2023. Collection method: clinical testing. Allele origin: germline.
Comment: The p.H260Y variant (also known as c.778C>T), located in coding exon 6 of the RAD50 gene, results from a C to T substitution at nucleotide position 778. The histidine at codon 260 is replaced by tyrosine, an amino acid with similar properties. This amino acid position is conserved. In addition, this alteration is predicted to be tolerated by in silico analysis. Based on the available evidence, the clinical significance of this alteration remains unclear.

Baylor Genetics
Classification: Uncertain significance for Nijmegen breakage syndrome-like disorder. Last evaluated: 2023-12-01. Review status: criteria provided, single submitter. Criteria: ACMG Guidelines, 2015. Collection method: clinical testing. Allele origin: unknown.

NM_005732.4(RAD50):c.778C>T (p.His260Tyr)

Gene: RAD50 (RAD50 double strand break repair protein; plus strand). Cytogenetic location: 5q31.1.
Variant type: single nucleotide variant.
Coding change: c.778C>T on transcript NM_005732.4 (MANE Select); coding-DNA position 778, C replaced by T.
Protein change: p.His260Tyr; replaces histidine 260 with tyrosine.
Molecular consequence: missense variant.
Genome position (GRCh38, 1-based): chr5:132,587,583, C>T. VCF-style: chr5-132587583-C-T. GRCh37 (hg19) VCF-style: chr5-131923275-C-T.
Other names: short protein forms H260Y.
Identifiers: ClinVar variation 3224992 (VCV003224992.2), dbSNP rs1554098158, ClinGen allele CA360940058.
Genomic context (GRCh38, chr5:132,587,583, plus strand): 5'-ATAGTGAGTTTTATTTATGTAATGTTTCTTTATTTTCAGAATCGTCTAAAAGAAATTGAA[C>T]ATAATCTCTCTAAAATAATGAAACTTGACAATGAAATTAAAGCCTTGGATAGCCGAAAGA-3'
Protein context (NP_005723.2, residues 250-270): PLKNRLKEIE[His260Tyr]NLSKIMKLDN